The following is an entry in ClinVar:

NM_201384.3(PLEC):c.8907G>C (p.Lys2969Asn)

Gene: PLEC (plectin; minus strand). Cytogenetic location: 8q24.3.
Variant type: single nucleotide variant.
Coding change: c.8907G>C on transcript NM_201384.3 (MANE Select); coding-DNA position 8907, G replaced by C.
Protein change: p.Lys2969Asn; replaces lysine 2969 with asparagine.
Molecular consequence: missense variant.
Genome position (GRCh38, 1-based): chr8:143,920,914, C>G on the plus strand (G>C on the coding strand, the complement: PLEC is on the minus strand). VCF-style: chr8-143920914-C-G. GRCh37 (hg19) VCF-style: chr8-144995082-C-G.
Other names: c.8988G>C (NM_000445.3); c.8988G>C, p.Lys2996Asn (NM_000445.5); c.5607G>C, p.Lys1869Asn (NM_001410941.1); c.8865G>C, p.Lys2955Asn (NM_201378.4); c.8841G>C, p.Lys2947Asn (NM_201379.3); c.9318G>C, p.Lys3106Asn (NM_201380.4); c.8811G>C, p.Lys2937Asn (NM_201381.3); c.8907G>C, p.Lys2969Asn (NM_201382.4); and 1 more; short protein forms K2947N, K2955N, K2996N, K1869N, K2969N, K3106N, K2937N, K2973N.
Identifiers: ClinVar variation 2936043 (VCV002936043.4), dbSNP rs983563451, ClinGen allele CA372514920.
Genomic context (GRCh38, chr8:143,920,914, plus strand): 5'-GCTCTCCAGCAGCTCGGCGGCTGGCACCAGGCTGCGCAGGCCCTCAAAGCAAAGCCGGCC[C>G]TTCTGCTCCTGCTCCTCCACCACCGTGATGATGATCTTGATGATCTTCTCCACTGTGATC-3'
Protein context (NP_958786.1, residues 2959-2979): IITVVEEQEQ[Lys2969Asn]GRLCFEGLRS

ClinVar aggregate classification (germline): Uncertain significance. Review status: criteria provided, multiple submitters, no conflicts (2 of 4 stars). 2 submissions from 2 submitters: Uncertain significance (2). Last evaluated 2025-10-02.

Conditions:
Epidermolysis bullosa simplex with nail dystrophy (EBS5D). Identifiers: MedGen C4225309, MONDO:0014661, OMIM 616487.
Epidermolysis bullosa simplex 5C, with pyloric atresia (EBS5C). Also called: PLEC-Related Epidermolysis Bullosa with Pyloric Atresia; Epidermolysis bullosa simplex with pyloric atresia; PLEC1-Related Epidermolysis Bullosa with Pyloric Atresia. Identifiers: Orphanet 158684, MedGen C2677349, MONDO:0012807, OMIM 612138.
Autosomal recessive limb-girdle muscular dystrophy type 2Q (LGMDR17). Also called: MUSCULAR DYSTROPHY, LIMB-GIRDLE, AUTOSOMAL RECESSIVE 17. Identifiers: Orphanet 254361, MedGen C3150989, MONDO:0013390, OMIM 613723.
Epidermolysis bullosa simplex, Ogna type (EBS5A). Also called: Pidermolysis bullosa simplex 5A, Ogna type; EPIDERMOLYSIS BULLOSA SIMPLEX 5A, OGNA TYPE. Identifiers: Orphanet 79401, MedGen C0432317, MONDO:0007555, OMIM 131950.
Epidermolysis bullosa simplex 5B, with muscular dystrophy (EBS5B). Also called: EPIDERMOLYSIS BULLOSA SIMPLEX AND LIMB-GIRDLE MUSCULAR DYSTROPHY; Epidermolysis bullosa simplex with muscular dystrophy. Identifiers: Orphanet 257, MedGen C2931072, MONDO:0009181, OMIM 226670.
Inborn genetic diseases. Identifiers: MedGen C0950123, MeSH D030342.

Allele frequency attached by ClinVar (database versions not stated): TOPMed below 0.00001.
gnomAD v4.1: 2 of 1,612,648 alleles (0.00012%); highest among the groups gnomAD compares: South Asian, 0.0022%; no homozygotes.

Submissions (2):

Ambry Genetics
Classification: Uncertain significance for Inborn genetic diseases. Last evaluated: 2025-10-02. Review status: criteria provided, single submitter. Criteria: Ambry Variant Classification Scheme 2023. Collection method: clinical testing. Allele origin: germline.
Comment: The c.8988G>C (p.K2996N) alteration is located in exon 33 (coding exon 32) of the PLEC gene. This alteration results from a G to C substitution at nucleotide position 8988, causing the lysine (K) at amino acid position 2996 to be replaced by an asparagine (N). Based on data from gnomAD, the C allele has an overall frequency of <0.001% (1/246076) total alleles studied. The highest observed frequency was 0.003% (1/30564) of South Asian alleles. Based on insufficient or conflicting evidence, the clinical significance of this alteration remains unclear.

Labcorp Genetics (formerly Invitae), Labcorp
Classification: Uncertain significance for Autosomal recessive limb-girdle muscular dystrophy type 2Q; Epidermolysis bullosa simplex, Ogna type; Epidermolysis bullosa simplex with nail dystrophy; Epidermolysis bullosa simplex 5C, with pyloric atresia; Epidermolysis bullosa simplex 5B, with muscular dystrophy. Last evaluated: 2024-04-06. Review status: criteria provided, single submitter. Criteria: Invitae Variant Classification Sherloc (09022015). Collection method: clinical testing. Allele origin: germline.
Comment: This sequence change replaces lysine, which is basic and polar, with asparagine, which is neutral and polar, at codon 2996 of the PLEC protein (p.Lys2996Asn). This variant is present in population databases (no rsID available, gnomAD 0.003%). This variant has not been reported in the literature in individuals affected with PLEC-related conditions. An algorithm developed to predict the effect of missense changes on protein structure and function (PolyPhen-2) suggests that this variant is likely to be disruptive. In summary, the available evidence is currently insufficient to determine the role of this variant in disease. Therefore, it has been classified as a Variant of Uncertain Significance.